The following is an entry in ClinVar:

ClinVar aggregate classification (germline): Conflicting classifications of pathogenicity. Review status: criteria provided, conflicting classifications (1 of 4 stars). 3 submissions from 3 submitters: Uncertain significance (2); Likely benign (1). Last evaluated 2025-04-11.

Conditions:
Inborn genetic diseases. Identifiers: MedGen C0950123, MeSH D030342.

Allele frequency attached by ClinVar (database versions not stated): gnomAD 0.00001; gnomAD exomes 0.00001 and 0.00002; ExAC 0.00002; TOPMed 0.00002.
gnomAD v4.1: 8 of 1,613,814 alleles (0.0005%); highest among the groups gnomAD compares: Admixed American, 0.013%; no homozygotes.

Submissions (3):

Labcorp Genetics (formerly Invitae), Labcorp
Classification: Likely benign. Last evaluated: 2025-04-11. Review status: criteria provided, single submitter. Criteria: Invitae Variant Classification Sherloc (09022015). Collection method: clinical testing. Allele origin: germline.

GeneDx
Classification: Uncertain significance. Last evaluated: 2025-01-21. Review status: criteria provided, single submitter. Criteria: GeneDx Variant Classification Process June 2021. Collection method: clinical testing. Allele origin: germline. Affected: yes.
Comment: In silico analysis supports that this missense variant has a deleterious effect on protein structure/function; Has not been previously published as pathogenic or benign to our knowledge

Ambry Genetics
Classification: Uncertain significance for Inborn genetic diseases. Last evaluated: 2024-06-26. Review status: criteria provided, single submitter. Criteria: Ambry Variant Classification Scheme 2023. Collection method: clinical testing. Allele origin: germline.

NM_015909.4(NBAS):c.3280C>T (p.His1094Tyr)

Gene: NBAS (NBAS subunit of NRZ tethering complex; minus strand). Cytogenetic location: 2p24.3.
Variant type: single nucleotide variant.
Coding change: c.3280C>T on transcript NM_015909.4 (MANE Select); coding-DNA position 3280, C replaced by T.
Protein change: p.His1094Tyr; replaces histidine 1094 with tyrosine.
Molecular consequence: missense variant. On other transcripts: non-coding transcript variant (1).
Genome position (GRCh38, 1-based): chr2:15,383,295, G>A on the plus strand (C>T on the coding strand, the complement: NBAS is on the minus strand). VCF-style: chr2-15383295-G-A. GRCh37 (hg19) VCF-style: chr2-15523419-G-A.
Other names: c.3280C>T (NM_015909.3, NM_015909.2); short protein forms H1094Y.
Identifiers: ClinVar variation 1462456 (VCV001462456.8), dbSNP rs745444591, ClinGen allele CA1536074.
Genomic context (GRCh38, chr2:15,383,295, plus strand): 5'-CTAGACATGTGTATACATTCTGCTGCATAGTTAACATGTCTTGCAGCAACGTTCTCCAAT[G>A]AGACTCACTGACAGGAGGCTGCCTGGAAAAACACATAAAAAAGACAAGGAAGAGGGAAAG-3'
Protein context (NP_056993.2, residues 1084-1104): GRKQPPVSES[His1094Tyr]WRTLLQDMLT